The following is an entry in ClinVar:

NM_001164508.2(NEB):c.2663dup (p.Ser889fs)

Gene: NEB (nebulin; minus strand). Cytogenetic location: 2q23.3.
Variant type: Duplication.
Coding change: c.2663dup on transcript NM_001164508.2 (MANE Select); coding-DNA position 2663, one base duplicated (A; older notation c.2663dupA).
Protein change: p.Ser889fs; shifts the reading frame from serine 889.
Molecular consequence: frameshift variant.
Genome position (GRCh38, 1-based): chr2:151,684,950, T duplicated on the plus strand (A on the coding strand, the reverse complement: NEB is on the minus strand); the first of 4 consecutive T bases (chr2:151,684,950-151,684,953); duplicating any one gives the same sequence. VCF-style (leftmost placement, unchanged base first): chr2-151684949-C-CT. GRCh37 (hg19) VCF-style: chr2-152541463-C-CT.
Other names: c.2663dup (NM_001271208.1); c.2663dup, p.Ser889fs (NM_001271208.2, NM_004543.5, NM_001164507.2); short protein forms S889fs.
Identifiers: ClinVar variation 4814770 (VCV004814770.1).

ClinVar aggregate classification (germline): Likely pathogenic (1 of 4 stars; one submission).

Conditions:
Nemaline myopathy 2 (NEM2). Also called: Nemaline myopathy 2, autosomal recessive. Identifiers: MedGen C1850569, MONDO:0009725, OMIM 256030.

Submission:

Natera, Inc.
Classification: Likely pathogenic for Nemaline myopathy type 2. Last evaluated: 2024-09-19. Review status: criteria provided, single submitter. Criteria: Natera Variant Classification Schema (03/2026). Collection method: clinical testing. Allele origin: germline.
Comment: The c.2663dup variant in NEB is a frameshift variant predicted to shift the reading frame beginning at codon 889 and leads to a stop codon 10 codons downstream. This variant is expected to result in nonsense mediated decay, truncation, or a dysfunctional protein product. This variant is rare in the general population with a frequency below the threshold expected for the associated phenotype(s). Given the available evidence, this variant is classified as Likely Pathogenic.